The following is an entry in ClinVar:

NM_001378452.1(ITPR1):c.1135G>A (p.Asp379Asn)

Gene: ITPR1 (inositol 1,4,5-trisphosphate receptor type 1; plus strand). Cytogenetic location: 3p26.1.
Variant type: single nucleotide variant.
Coding change: c.1135G>A on transcript NM_001378452.1 (MANE Select); coding-DNA position 1135, G replaced by A.
Protein change: p.Asp379Asn; replaces aspartic acid 379 with asparagine.
Molecular consequence: missense variant.
Genome position (GRCh38, 1-based): chr3:4,658,262, G>A. VCF-style: chr3-4658262-G-A. GRCh37 (hg19) VCF-style: chr3-4699946-G-A.
Other names: c.1135G>A, p.Asp379Asn (NM_001099952.4); c.1090G>A, p.Asp364Asn (NM_001168272.2, NM_002222.7); short protein forms D364N, D379N.
Identifiers: ClinVar variation 5037374 (VCV005037374.1).

ClinVar aggregate classification (germline): Uncertain significance (1 of 4 stars; one submission).

gnomAD v4.1: 1 of 1,611,904 alleles (0.000062%); highest among the groups gnomAD compares: South Asian, 0.0011%; no homozygotes.

Submission:

GeneDx
Classification: Uncertain significance. Last evaluated: 2026-04-17. Review status: criteria provided, single submitter. Criteria: GeneDx Variant Classification Process June 2021. Collection method: clinical testing. Allele origin: germline.
Comment: Not observed at significant frequency in large population cohorts (gnomAD); In silico analysis supports that this missense variant has a deleterious effect on protein structure/function; In silico analysis supports a deleterious effect on splicing; Has not been previously published as pathogenic or benign to our knowledge